The following is an entry in ClinVar:

NM_006642.5(SDCCAG8):c.947T>C (p.Met316Thr)

Gene: SDCCAG8 (SHH signaling and ciliogenesis regulator SDCCAG8; plus strand). Cytogenetic location: 1q43.
Variant type: single nucleotide variant.
Coding change: c.947T>C on transcript NM_006642.5 (MANE Select); coding-DNA position 947, T replaced by C.
Protein change: p.Met316Thr; replaces methionine 316 with threonine.
Molecular consequence: missense variant.
Genome position (GRCh38, 1-based): chr1:243,316,772, T>C. VCF-style: chr1-243316772-T-C. GRCh37 (hg19) VCF-style: chr1-243480074-T-C.
Other names: c.44T>C, p.Met15Thr (NM_001350246.2, NM_001350247.2, NM_001350251.2); c.1043T>C, p.Met348Thr (NM_001350248.2); c.653T>C, p.Met218Thr (NM_001350249.2); short protein forms M348T, M15T, M218T, M316T.
Identifiers: ClinVar variation 847765 (VCV000847765.11), dbSNP rs200461035, ClinGen allele CA1483498.

ClinVar aggregate classification (germline): Uncertain significance. Review status: criteria provided, multiple submitters, no conflicts (2 of 4 stars). 5 submissions from 5 submitters: Uncertain significance (5). Last evaluated 2026-05-21.

Conditions:
SDCCAG8-related disorder. Also called: SDCCAG8-related condition; SDCCAG8-Related Disorders.
Inborn genetic diseases. Identifiers: MedGen C0950123, MeSH D030342.
Bardet-Biedl syndrome 16 (BBS16). Identifiers: Orphanet 110, MedGen C3889474, MONDO:0014444, OMIM 615993.
Senior-Loken syndrome 7 (SLSN7). Identifiers: Orphanet 3156, MedGen C3150877, MONDO:0013326, OMIM 613615.

Allele frequency attached by ClinVar (database versions not stated): ExAC 0.00006; gnomAD exomes 0.00006; 1000 Genomes Project 30x 0.00016; TOPMed 0.00018; gnomAD 0.00019 and 0.00020; 1000 Genomes Project 0.00020.
gnomAD v4.1: 70 of 1,614,200 alleles (0.0043%); highest among the groups gnomAD compares: African/African-American, 0.076%; no homozygotes.

Submissions (5):

PreventionGenetics, part of Exact Sciences
Classification: Uncertain significance for SDCCAG8-related condition. Last evaluated: 2026-05-21. Review status: criteria provided, single submitter. Criteria: ACMG Guidelines, 2015. Collection method: clinical testing. Allele origin: germline.
Comment: The SDCCAG8 c.947T>C variant is predicted to result in the amino acid substitution p.Met316Thr. To our knowledge, this variant has not been reported in the literature. This variant is reported in 0.076% of alleles in individuals of African descent in gnomAD, which is likely too frequent for an unreported disease-causing variant. Although we suspect this variant may be benign, at this time, the clinical significance of this variant is uncertain due to the absence of conclusive functional and genetic evidence.

Ambry Genetics
Classification: Uncertain significance for Inborn genetic diseases. Last evaluated: 2025-11-19. Review status: criteria provided, single submitter. Criteria: Ambry Variant Classification Scheme 2023. Collection method: clinical testing. Allele origin: germline.

Blueprint Genetics
Classification: Uncertain significance. Last evaluated: 2024-10-09. Review status: criteria provided, single submitter. Criteria: ACMG Guidelines, 2015. Collection method: clinical testing. Allele origin: germline.

Labcorp Genetics (formerly Invitae), Labcorp
Classification: Uncertain significance for Bardet-Biedl syndrome 16; Senior-Loken syndrome 7. Last evaluated: 2022-11-01. Review status: criteria provided, single submitter. Criteria: Invitae Variant Classification Sherloc (09022015). Collection method: clinical testing. Allele origin: germline.
Comment: This sequence change replaces methionine, which is neutral and non-polar, with threonine, which is neutral and polar, at codon 316 of the SDCCAG8 protein (p.Met316Thr). This variant is present in population databases (rs200461035, gnomAD 0.08%). This variant has not been reported in the literature in individuals affected with SDCCAG8-related conditions. ClinVar contains an entry for this variant (Variation ID: 847765). Advanced modeling of protein sequence and biophysical properties (such as structural, functional, and spatial information, amino acid conservation, physicochemical variation, residue mobility, and thermodynamic stability) performed at Invitae indicates that this missense variant is not expected to disrupt SDCCAG8 protein function. In summary, the available evidence is currently insufficient to determine the role of this variant in disease. Therefore, it has been classified as a Variant of Uncertain Significance.

Fulgent Genetics
Classification: Uncertain significance for Senior-Loken syndrome 7; Bardet-Biedl syndrome 16. Last evaluated: 2022-05-17. Review status: criteria provided, single submitter. Criteria: ACMG Guidelines, 2015. Collection method: clinical testing. Allele origin: unknown.